The following is an entry in ClinVar:

NM_020376.4(PNPLA2):c.1139G>A (p.Arg380His)

Gene: PNPLA2 (patatin like domain 2, triacylglycerol lipase; plus strand). Cytogenetic location: 11p15.5.
Variant type: single nucleotide variant.
Coding change: c.1139G>A on transcript NM_020376.4 (MANE Select); coding-DNA position 1139, G replaced by A.
Protein change: p.Arg380His; replaces arginine 380 with histidine.
Molecular consequence: missense variant.
Genome position (GRCh38, 1-based): chr11:824,400, G>A. VCF-style: chr11-824400-G-A. GRCh37 (hg19) VCF-style: chr11-824400-G-A.
Other names: short protein forms R380H.
Identifiers: ClinVar variation 639053 (VCV000639053.6), dbSNP rs372164277, ClinGen allele CA5791312.

ClinVar aggregate classification (germline): Uncertain significance. Review status: criteria provided, multiple submitters, no conflicts (2 of 4 stars). 2 submissions from 2 submitters: Uncertain significance (2). Last evaluated 2022-09-01.

Conditions:
Inborn genetic diseases. Identifiers: MedGen C0950123, MeSH D030342.
Neutral lipid storage myopathy (NLSDM). Also called: NEUTRAL LIPID STORAGE DISEASE WITHOUT ICHTHYOSIS. Identifiers: Orphanet 98908, MedGen C1853136, MONDO:0012545, OMIM 610717.

Allele frequency attached by ClinVar (database versions not stated): ExAC below 0.00001; TOPMed 0.00005.
gnomAD v4.1: 17 of 1,554,198 alleles (0.0011%); highest among the groups gnomAD compares: African/African-American, 0.0068%; no homozygotes.

Submissions (2):

Labcorp Genetics (formerly Invitae), Labcorp
Classification: Uncertain significance for Neutral lipid storage myopathy. Last evaluated: 2022-09-01. Review status: criteria provided, single submitter. Criteria: Invitae Variant Classification Sherloc (09022015). Collection method: clinical testing. Allele origin: germline.
Comment: This sequence change replaces arginine, which is basic and polar, with histidine, which is basic and polar, at codon 380 of the PNPLA2 protein (p.Arg380His). The frequency data for this variant in the population databases is considered unreliable, as metrics indicate poor data quality at this position in the gnomAD database. This variant has not been reported in the literature in individuals affected with PNPLA2-related conditions. ClinVar contains an entry for this variant (Variation ID: 639053). Algorithms developed to predict the effect of missense changes on protein structure and function (SIFT, PolyPhen-2, Align-GVGD) all suggest that this variant is likely to be tolerated. In summary, the available evidence is currently insufficient to determine the role of this variant in disease. Therefore, it has been classified as a Variant of Uncertain Significance.

Ambry Genetics
Classification: Uncertain significance for Inborn genetic diseases. Last evaluated: 2022-07-12. Review status: criteria provided, single submitter. Criteria: Ambry Variant Classification Scheme 2023. Collection method: clinical testing. Allele origin: germline.